The following is an entry in ClinVar:

NM_001283009.2(RTEL1):c.3823-14C>T

Genes: RTEL1 (regulator of telomere elongation helicase 1; plus strand), RTEL1-TNFRSF6B (RTEL1-TNFRSF6B readthrough (NMD candidate); plus strand). Cytogenetic location: 20q13.33.
Variant type: single nucleotide variant.
Coding change: c.3823-14C>T on transcript NM_001283009.2 (MANE Select); 14 bases into the intron before coding-DNA position 3823, C replaced by T.
Molecular consequence: intron variant.
Genome position (GRCh38, 1-based): chr20:63,695,764, C>T. VCF-style: chr20-63695764-C-T. GRCh37 (hg19) VCF-style: chr20-62327117-C-T.
Other names: c.2984-14C>T (NM_001283010.1); c.3725-14C>T (NM_032957.5); c.3653-14C>T (NM_016434.4).
Identifiers: ClinVar variation 1086794 (VCV001086794.11), dbSNP rs536966266, ClinGen allele CA9966216.

ClinVar aggregate classification (germline): Benign/Likely benign. Review status: criteria provided, multiple submitters, no conflicts (2 of 4 stars). 3 submissions from 3 submitters: Benign (1); Likely benign (2). Last evaluated 2026-01-19.

Conditions:
Pulmonary fibrosis and/or bone marrow failure, Telomere-related, 3. Also called: PULMONARY FIBROSIS AND/OR BONE MARROW FAILURE SYNDROME, TELOMERE-RELATED, 3. Identifiers: Orphanet 2032, MedGen C4225346, MONDO:0014613, OMIM 616373.
Dyskeratosis congenita, autosomal recessive 5 (DKCB5). Identifiers: MedGen C3554656, MONDO:0014076, OMIM 615190.

Allele frequency attached by ClinVar (database versions not stated): TOPMed 0.00003; gnomAD 0.00005 and 0.00008; gnomAD exomes 0.00012 and 0.00022; 1000 Genomes Project 0.00040; 1000 Genomes Project 30x 0.00047; ExAC 0.00049.
gnomAD v4.1: 185 of 1,587,908 alleles (0.012%); highest among the groups gnomAD compares: South Asian, 0.13%; 2 homozygotes.

Submissions (3):

Labcorp Genetics (formerly Invitae), Labcorp
Classification: Likely benign for Dyskeratosis congenita, autosomal recessive 5; Pulmonary fibrosis and/or bone marrow failure, Telomere-related, 3. Last evaluated: 2026-01-19. Review status: criteria provided, single submitter. Criteria: Invitae Variant Classification Sherloc (09022015). Collection method: clinical testing. Allele origin: germline.

Blueprint Genetics
Classification: Likely benign. Last evaluated: 2024-03-12. Review status: criteria provided, single submitter. Criteria: ACMG Guidelines, 2015. Collection method: clinical testing. Allele origin: germline.

Women's Health and Genetics/Laboratory Corporation of America, LabCorp
Classification: Benign. Last evaluated: 2023-11-16. Review status: criteria provided, single submitter. Criteria: LabCorp Variant Classification Summary - May 2015. Collection method: clinical testing. Allele origin: germline.
Comment: Variant summary: RTEL1 c.3725-14C>T alters a non-conserved nucleotide located at a position not widely known to affect splicing. Consensus agreement among computation tools predict no significant impact on normal splicing. However, these predictions have yet to be confirmed by functional studies. The variant allele was found at a frequency of 0.00012 in 1587908 control chromosomes, predominantly at a frequency of 0.0013 within the South Asian subpopulation in the gnomAD database, including 2 homozygotes. The observed variant frequency within South Asian control individuals in the gnomAD database is approximately 1.2 fold of the estimated maximal expected allele frequency for a pathogenic variant in RTEL1 causing Dyskeratosis Congenita (Hoyeraal Hreidarsson Syndrome) phenotype (0.0011), strongly suggesting that the variant is a benign polymorphism found primarily in populations of South Asian origin. To our knowledge, no occurrence of c.3725-14C>T in individuals affected with Dyskeratosis Congenita (Hoyeraal Hreidarsson Syndrome) and no experimental evidence demonstrating its impact on protein function have been reported. One submitter has reported clinical-significance assessments for this variant to ClinVar after 2014 and has classified the variant as benign/likely benign. Based on the evidence outlined above, the variant was classified as benign.